The following is an entry in ClinVar:

NM_004750.5(CRLF1):c.660C>G (p.Ala220=)

Gene: CRLF1 (cytokine receptor like factor 1; minus strand). Cytogenetic location: 19p13.11.
Variant type: single nucleotide variant.
Coding change: c.660C>G on transcript NM_004750.5 (MANE Select); coding-DNA position 660, C replaced by G.
Protein change: p.Ala220=; no amino-acid change (alanine 220 retained).
Molecular consequence: synonymous variant.
Genome position (GRCh38, 1-based): chr19:18,598,469, G>C on the plus strand (C>G on the coding strand, the complement: CRLF1 is on the minus strand). VCF-style: chr19-18598469-G-C. GRCh37 (hg19) VCF-style: chr19-18709279-G-C.
Other names: p.Ala220=.
Identifiers: ClinVar variation 2082534 (VCV002082534.7), dbSNP rs148208638, ClinGen allele CA9314167.

ClinVar aggregate classification (germline): Benign/Likely benign. Review status: criteria provided, multiple submitters, no conflicts (2 of 4 stars). 4 submissions from 4 submitters: Benign (1); Likely benign (3). Last evaluated 2026-07-01.

Allele frequency attached by ClinVar (database versions not stated): 1000 Genomes Project 30x 0.00016; 1000 Genomes Project 0.00020; TOPMed 0.00032; ESP Exome Variant Server 0.00046; gnomAD 0.00064.
gnomAD v4.1: 909 of 1,614,108 alleles (0.056%); highest among the groups gnomAD compares: Non-Finnish European, 0.055%; no homozygotes.

Submissions (4):

CeGaT Center for Human Genetics Tuebingen
Classification: Likely benign. Last evaluated: 2026-07-01. Review status: criteria provided, single submitter. Criteria: CeGaT Center For Human Genetics Tuebingen Variant Classification Criteria Version 2. Collection method: clinical testing. Allele origin: germline. Affected: yes. Observed: 1 variant allele.
Comment: CRLF1: BP4, BP7

Women's Health and Genetics/Laboratory Corporation of America, LabCorp
Classification: Likely benign. Last evaluated: 2026-03-30. Review status: criteria provided, single submitter. Criteria: LabCorp Variant Classification Summary - May 2015. Collection method: clinical testing. Allele origin: germline.

Labcorp Genetics (formerly Invitae), Labcorp
Classification: Benign. Last evaluated: 2026-01-21. Review status: criteria provided, single submitter. Criteria: Invitae Variant Classification Sherloc (09022015). Collection method: clinical testing. Allele origin: germline.

Mayo Clinic Laboratories, Mayo Clinic
Classification: Likely benign. Last evaluated: 2025-04-22. Review status: criteria provided, single submitter. Criteria: ACMG Guidelines, 2015. Collection method: clinical testing. Allele origin: germline. Observed: 1 variant allele.
Comment: BP4, BP7